The following is an entry in ClinVar:

ClinVar aggregate classification (germline): Pathogenic (1 of 4 stars; one submission).

Conditions:
Hereditary hemorrhagic telangiectasia (HHT). Also called: Osler hemorrhagic telangiectasia syndrome; ORW DISEASE; Osler Weber Rendu syndrome; OSLER-RENDU-WEBER DISEASE. Identifiers: Orphanet 774, MedGen C0039445, MONDO:0019180. Disease mechanism: loss of function.

Submission:

Labcorp Genetics (formerly Invitae), Labcorp
Classification: Pathogenic for Hereditary hemorrhagic telangiectasia. Last evaluated: 2022-10-17. Review status: criteria provided, single submitter. Criteria: Invitae Variant Classification Sherloc (09022015). Collection method: clinical testing. Allele origin: germline.
Comment: For these reasons, this variant has been classified as Pathogenic. Experimental studies have shown that this missense change affects ENG function (PMID: 25312062). Advanced modeling of protein sequence and biophysical properties (such as structural, functional, and spatial information, amino acid conservation, physicochemical variation, residue mobility, and thermodynamic stability) performed at Invitae indicates that this missense variant is expected to disrupt ENG protein function. ClinVar contains an entry for this variant (Variation ID: 1059847). This missense change has been observed in individual(s) with hereditary hemorrhagic telangiectasia (PMID: 25312062; Invitae). This variant is not present in population databases (gnomAD no frequency). This sequence change replaces isoleucine, which is neutral and non-polar, with threonine, which is neutral and polar, at codon 252 of the ENG protein (p.Ile252Thr).

Literature cited by the submitters: PubMed 25312062.

NM_001114753.3(ENG):c.755T>C (p.Ile252Thr)

Gene: ENG (endoglin; minus strand). Cytogenetic location: 9q34.11.
Variant type: single nucleotide variant.
Coding change: c.755T>C on transcript NM_001114753.3 (MANE Select); coding-DNA position 755, T replaced by C.
Protein change: p.Ile252Thr; replaces isoleucine 252 with threonine.
Molecular consequence: missense variant.
Genome position (GRCh38, 1-based): chr9:127,825,292, A>G on the plus strand (T>C on the coding strand, the complement: ENG is on the minus strand). VCF-style: chr9-127825292-A-G. GRCh37 (hg19) VCF-style: chr9-130587571-A-G.
Other names: c.755T>C, p.Ile252Thr (NM_000118.4, NM_001406715.1); c.209T>C, p.Ile70Thr (NM_001278138.2); short protein forms I252T, I70T.
Identifiers: ClinVar variation 1059847 (VCV001059847.10), dbSNP rs2131887851, ClinGen allele CA374983335.